The following is an entry in ClinVar:

NM_020066.5(FMN2):c.575A>T (p.Gln192Leu)

Gene: FMN2 (formin 2; plus strand). Cytogenetic location: 1q43.
Variant type: single nucleotide variant.
Coding change: c.575A>T on transcript NM_020066.5 (MANE Select); coding-DNA position 575, A replaced by T.
Protein change: p.Gln192Leu; replaces glutamine 192 with leucine.
Molecular consequence: missense variant.
Genome position (GRCh38, 1-based): chr1:240,092,684, A>T. VCF-style: chr1-240092684-A-T. GRCh37 (hg19) VCF-style: chr1-240255984-A-T.
Other names: c.575A>T, p.Gln192Leu (NM_001305424.2, NM_001348094.2); short protein forms Q192L.
Identifiers: ClinVar variation 1033928 (VCV001033928.4), dbSNP rs150505248, ClinGen allele CA1476191.

ClinVar aggregate classification (germline): Uncertain significance. Review status: criteria provided, multiple submitters, no conflicts (2 of 4 stars). 4 submissions from 4 submitters: Uncertain significance (4). Last evaluated 2025-01-31.

Conditions:
Intellectual developmental disorder, autosomal recessive 47. Also called: Intellectual disability, autosomal recessive 47. Identifiers: Orphanet 88616, MedGen C4015444, MONDO:0014524, OMIM 616193.

Allele frequency attached by ClinVar (database versions not stated): 1000 Genomes Project 30x 0.00031; gnomAD 0.00042 and 0.00044; 1000 Genomes Project 0.00040; TOPMed 0.00043; ESP Exome Variant Server 0.00062.
gnomAD v4.1: 115 of 1,614,044 alleles (0.0071%); highest among the groups gnomAD compares: African/African-American, 0.15%; no homozygotes.

Submissions (4):

GeneDx
Classification: Uncertain significance. Last evaluated: 2025-01-31. Review status: criteria provided, single submitter. Criteria: GeneDx Variant Classification Process June 2021. Collection method: clinical testing. Allele origin: germline. Affected: yes.
Comment: In silico analysis supports that this missense variant has a deleterious effect on protein structure/function; Has not been previously published as pathogenic or benign to our knowledge

Women's Health and Genetics/Laboratory Corporation of America, LabCorp
Classification: Uncertain significance. Last evaluated: 2023-12-08. Review status: criteria provided, single submitter. Criteria: LabCorp Variant Classification Summary - May 2015. Collection method: clinical testing. Allele origin: germline.
Comment: Variant summary: FMN2 c.575A>T (p.Gln192Leu) results in a non-conservative amino acid change in the encoded protein sequence. Four of five in-silico tools predict a damaging effect of the variant on protein function. The variant allele was found at a frequency of 0.00012 in 249054 control chromosomes, predominantly at a frequency of 0.0018 within the African or African-American subpopulation in the gnomAD database. To our knowledge, no occurrence of c.575A>T in individuals affected with Autosomal Recessive Intellectual Disability and no experimental evidence demonstrating its impact on protein function have been reported. Two submitters have cited clinical-significance assessments for this variant to ClinVar after 2014. Both submitters classified the variant as uncertain significance. Based on the evidence outlined above, the variant was classified as uncertain significance.

New York Genome Center
Classification: Uncertain significance for Intellectual developmental disorder, autosomal recessive 47. Last evaluated: 2020-04-29. Review status: criteria provided, single submitter. Criteria: NYGC Assertion Criteria 2020. Collection method: clinical testing. Allele origin: germline. Observed: 1 heterozygote. Study: CSER-NYCKidSeq.

Baylor Genetics
Classification: Uncertain significance for Intellectual developmental disorder, autosomal recessive 47. Last evaluated: 2018-12-17. Review status: criteria provided, single submitter. Criteria: ACMG Guidelines, 2015. Collection method: clinical testing. Allele origin: paternal. Affected: yes.
Comment: This variant was determined to be of uncertain significance according to ACMG Guidelines, 2015 [PMID:25741868].